The following is an entry in ClinVar:

ClinVar aggregate classification (germline): Likely benign (0 of 4 stars; one submission).

Conditions:
RBBP8-related disorder. Also called: RBBP8-Related Disorders; RBBP8-related condition. Identifiers: MedGen CN239300.

gnomAD v4.1: 14 of 1,613,712 alleles (0.00087%); highest among the groups gnomAD compares: Non-Finnish European, 0.0011%; no homozygotes.

Submission:

PreventionGenetics, part of Exact Sciences
Classification: Likely benign for RBBP8-related condition. Last evaluated: 2024-06-10. Review status: no assertion criteria provided. Collection method: clinical testing. Allele origin: germline.
Comment: This variant is classified as likely benign based on ACMG/AMP sequence variant interpretation guidelines (Richards et al. 2015 PMID: 25741868, with internal and published modifications).

NM_002894.3(RBBP8):c.603T>C (p.Asn201=)

Gene: RBBP8 (RB binding protein 8, endonuclease; plus strand). Cytogenetic location: 18q11.2.
Variant type: single nucleotide variant.
Coding change: c.603T>C on transcript NM_002894.3 (MANE Select); coding-DNA position 603, T replaced by C.
Protein change: p.Asn201=; no amino-acid change (asparagine 201 retained).
Molecular consequence: synonymous variant.
Genome position (GRCh38, 1-based): chr18:22,982,392, T>C. VCF-style: chr18-22982392-T-C. GRCh37 (hg19) VCF-style: chr18-20562355-T-C.
Other names: c.603T>C, p.Asn201= (NM_203291.2, NM_203292.2).
Identifiers: ClinVar variation 3346927 (VCV003346927.1).
Genomic context (GRCh38, chr18:22,982,392, plus strand): 5'-CCCCCATGTCCGATACATAGAACAAACACATACTAAATTGGAGCACTCTGTGTGTGCAAA[T>C]GGTAAGAGTTGGAGTTGTATTTTAGTTCTCTGGTTTTGTAAACCAGTGTTCATCTACTAG-3'
Protein context (NP_002885.1, residues 191-211): HTKLEHSVCA[Asn201=]EMRKVSKSST